The following is an entry in ClinVar:

ClinVar aggregate classification (germline): Uncertain significance (1 of 4 stars; one submission).

Conditions:
Menkes kinky-hair syndrome (MNK). Also called: Classic Menkes Disease; Copper transport disease; Menkes Disease. Identifiers: Orphanet 565, MedGen C0022716, MONDO:0010651, OMIM 309400.

Submission:

Mendelics
Classification: Uncertain significance for Menkes kinky-hair syndrome. Last evaluated: 2026-03-05. Review status: criteria provided, single submitter. Criteria: ACMG Guidelines, 2015. Collection method: clinical testing. Allele origin: unknown.
Comment: The available evidence is insufficient to conclusively determine the role of this variant. Therefore, it is classified as a Variant of Uncertain Significance.

NM_000052.7(ATP7A):c.4123+1G>C

Gene: ATP7A (ATPase copper transporting alpha; plus strand). Cytogenetic location: Xq21.1.
Variant type: single nucleotide variant.
Coding change: c.4123+1G>C on transcript NM_000052.7 (MANE Select); the canonical splice donor site of the intron after coding-DNA position 4123, G replaced by C.
Molecular consequence: splice donor variant.
Genome position (GRCh38, 1-based): chrX:78,043,435, G>C. VCF-style: chrX-78043435-G-C. GRCh37 (hg19) VCF-style: chrX-77298933-G-C.
Other names: c.3889+1G>C (NM_001282224.2).
Identifiers: ClinVar variation 4813579 (VCV004813579.1).
Genomic context (GRCh38, chrX:78,043,435, plus strand): 5'-TTCGGATAAATTTTGTCTTTGCTCTAATTTATAATCTGGTTGGAATTCCCATAGCTGCTG[G>C]TATGTGACTCTTAACTAGTACTGCTTTTTCCACTAAAGTTATTAGAGACCTAACATATTG-3'